The following is an entry in ClinVar:

NM_207352.4(CYP4V2):c.1226-6_1235del

Gene: CYP4V2 (cytochrome P450 family 4 subfamily V member 2; plus strand). Cytogenetic location: 4q35.2.
Variant type: Deletion.
Coding change: c.1226-6_1235del on transcript NM_207352.4 (MANE Select); 6 bases into the intron before coding-DNA position 1226 through coding-DNA position 1235, 16 bases deleted (TGACAGCAGGTTACAG).
Molecular consequence: splice acceptor variant.
Genome position (GRCh38, 1-based): chr4:186,209,087-186,209,102, TGACAGCAGGTTACAG deleted. VCF-style (leftmost placement, unchanged base first): chr4-186209086-TTGACAGCAGGTTACAG-T. GRCh37 (hg19) VCF-style: chr4-187130240-TTGACAGCAGGTTACAG-T.
Other names: IVS9-6del.
Identifiers: ClinVar variation 39255 (VCV000039255.3), dbSNP rs199476184, ClinGen allele CA343716.

ClinVar aggregate classification (germline): Pathogenic (0 of 4 stars; one submission).

Conditions:
Bietti crystalline corneoretinal dystrophy (BCD). Also called: Bietti Crystalline Dystrophy; BIETTI TAPETORETINAL DEGENERATION WITH MARGINAL CORNEAL DYSTROPHY. Identifiers: Orphanet 41751, MedGen C1859486, MONDO:0008865, OMIM 210370.

Allele frequency attached by ClinVar (database versions not stated): gnomAD 0.00001.

Submission:

GeneReviews
Classification: Pathogenic for Bietti Crystalline Dystrophy. Last evaluated: 2012-04-12. Review status: no assertion criteria provided. Collection method: curation. Allele origin: unknown.
ClinVar note: Converted during submission from pathologic to Pathogenic.